The following is an entry in ClinVar:

ClinVar aggregate classification (germline): Likely benign. Review status: criteria provided, single submitter (1 of 4 stars). 2 submissions from 2 submitters: Likely benign (1). 1 of the submissions does not count toward it. Last evaluated 2024-03-05.

Conditions:
PCNT-related disorder. Also called: PCNT-related condition.

gnomAD v4.1: 32 of 1,614,046 alleles (0.002%); highest among the groups gnomAD compares: Non-Finnish European, 0.0027%; no homozygotes.

Submissions (2):

Labcorp Genetics (formerly Invitae), Labcorp
Classification: Likely benign. Last evaluated: 2024-03-05. Review status: criteria provided, single submitter. Criteria: Invitae Variant Classification Sherloc (09022015). Collection method: clinical testing. Allele origin: germline.

PreventionGenetics, part of Exact Sciences
Classification: Likely benign for PCNT-related condition. Last evaluated: 2023-03-14. Review status: no assertion criteria provided. Collection method: clinical testing. Allele origin: germline. Not counted in ClinVar's aggregate classification.
Comment: This variant is classified as likely benign based on ACMG/AMP sequence variant interpretation guidelines (Richards et al. 2015 PMID: 25741868, with internal and published modifications).

NM_006031.6(PCNT):c.3438C>G (p.Ala1146=)

Gene: PCNT (pericentrin; plus strand). Cytogenetic location: 21q22.3.
Variant type: single nucleotide variant.
Coding change: c.3438C>G on transcript NM_006031.6 (MANE Select); coding-DNA position 3438, C replaced by G.
Protein change: p.Ala1146=; no amino-acid change (alanine 1146 retained).
Molecular consequence: synonymous variant.
Genome position (GRCh38, 1-based): chr21:46,385,957, C>G. VCF-style: chr21-46385957-C-G. GRCh37 (hg19) VCF-style: chr21-47805872-C-G.
Other names: c.3084C>G, p.Ala1028= (NM_001315529.2).
Identifiers: ClinVar variation 3353425 (VCV003353425.3).